The following is an entry in ClinVar:

ClinVar aggregate classification (germline): Uncertain significance (1 of 4 stars; one submission).

Conditions:
Cardiovascular phenotype. Identifiers: MedGen CN230736.

Submission:

Ambry Genetics
Classification: Uncertain significance for Cardiovascular phenotype. Last evaluated: 2024-05-05. Review status: criteria provided, single submitter. Criteria: Ambry Variant Classification Scheme 2023. Collection method: clinical testing. Allele origin: germline.
Comment: The p.F577Y variant (also known as c.1730T>A), located in coding exon 10 of the SOS1 gene, results from a T to A substitution at nucleotide position 1730. The phenylalanine at codon 577 is replaced by tyrosine, an amino acid with highly similar properties. This amino acid position is conserved. In addition, the in silico prediction for this alteration is inconclusive. Based on the available evidence, the clinical significance of this variant remains unclear.

NM_005633.4(SOS1):c.1730T>A (p.Phe577Tyr)

Gene: SOS1 (SOS Ras/Rac guanine nucleotide exchange factor 1; minus strand). Cytogenetic location: 2p22.1.
Variant type: single nucleotide variant.
Coding change: c.1730T>A on transcript NM_005633.4 (MANE Select); coding-DNA position 1730, T replaced by A.
Protein change: p.Phe577Tyr; replaces phenylalanine 577 with tyrosine.
Molecular consequence: missense variant.
Genome position (GRCh38, 1-based): chr2:39,022,698, A>T on the plus strand (T>A on the coding strand, the complement: SOS1 is on the minus strand). VCF-style: chr2-39022698-A-T. GRCh37 (hg19) VCF-style: chr2-39249839-A-T.
Other names: c.1709T>A, p.Phe570Tyr (NM_001382394.1); c.1730T>A, p.Phe577Tyr (NM_001382395.1); short protein forms F577Y, F570Y.
Identifiers: ClinVar variation 3321543 (VCV003321543.1).
Genomic context (GRCh38, chr2:39,022,698, plus strand): 5'-CCAGCCTTGGGCTGCATGTTCTCTTCAAATATAATATTCTCTTCAGAGTCAGGCTCTGCA[A>T]ATCTATAAACATCAGCACTAGGCAGCCTCATCTGCTCCTCTTTCTCTTCCTGTAGCATTG-3'
Protein context (NP_005624.2, residues 567-587): MRLPSADVYR[Phe577Tyr]AEPDSEENII